The following is an entry in ClinVar:

NM_001093.4(ACACB):c.786+7A>T

Gene: ACACB (acetyl-CoA carboxylase beta; plus strand). Cytogenetic location: 12q24.11.
Variant type: single nucleotide variant.
Coding change: c.786+7A>T on transcript NM_001093.4 (MANE Select); 7 bases into the intron after coding-DNA position 786, A replaced by T.
Molecular consequence: intron variant.
Genome position (GRCh38, 1-based): chr12:109,167,000, A>T. VCF-style: chr12-109167000-A-T. GRCh37 (hg19) VCF-style: chr12-109604805-A-T.
Other names: c.786+7A>T (NM_001412734.1, NM_001412735.1); c.159+7A>T (NM_001412737.1); c.180+7A>T (NM_001412736.1, NM_001412738.1, NM_001412739.1 and 2 more transcripts).
Identifiers: ClinVar variation 3033488 (VCV003033488.2), dbSNP rs2043930748, ClinGen allele CA2620766374.
Genomic context (GRCh38, chr12:109,167,000, plus strand): 5'-GCTTCTCCCGCTGAGTTTGTCACACGCTTTGGGGGGGATCGGGTCATCGAGAAGGTACAG[A>T]TGGGTCTCGGCACTCTGGGTGGGGTCCGATTGGGGTGCAGGGGCCCCTCCTCTCAGCTGG-3'

ClinVar aggregate classification (germline): Likely benign (0 of 4 stars; one submission).

Conditions:
ACACB-related disorder. Also called: ACACB-related condition.

gnomAD v4.1: 9 of 1,613,758 alleles (0.00056%); highest among the groups gnomAD compares: South Asian, 0.0077%; no homozygotes.

Submission:

PreventionGenetics, part of Exact Sciences
Classification: Likely benign for ACACB-related condition. Last evaluated: 2019-06-12. Review status: no assertion criteria provided. Collection method: clinical testing. Allele origin: germline.
Comment: This variant is classified as likely benign based on ACMG/AMP sequence variant interpretation guidelines (Richards et al. 2015 PMID: 25741868, with internal and published modifications).